The following is an entry in ClinVar:

ClinVar aggregate classification (germline): Uncertain significance. Review status: criteria provided, multiple submitters, no conflicts (2 of 4 stars). 2 submissions from 2 submitters: Uncertain significance (2). Last evaluated 2025-12-08.

Conditions:
Primary ciliary dyskinesia 23 (CILD23). Also called: CILIARY DYSKINESIA, PRIMARY, 23, WITH OR WITHOUT SITUS INVERSUS. Identifiers: Orphanet 244, MedGen C3809548, MONDO:0014193, OMIM 615451.
Primary ciliary dyskinesia. Also called: Ciliary dyskinesia. Identifiers: Orphanet 244, MedGen C0008780, MONDO:0016575, HP:0012265.

Allele frequency attached by ClinVar (database versions not stated): ExAC 0.00002; gnomAD exomes 0.00002; TOPMed 0.00002.

Submissions (2):

Ambry Genetics
Classification: Uncertain significance for Primary ciliary dyskinesia. Last evaluated: 2025-12-08. Review status: criteria provided, single submitter. Criteria: Ambry Variant Classification Scheme 2023. Collection method: clinical testing. Allele origin: germline.

Labcorp Genetics (formerly Invitae), Labcorp
Classification: Uncertain significance for Primary ciliary dyskinesia 23. Last evaluated: 2022-06-13. Review status: criteria provided, single submitter. Criteria: Invitae Variant Classification Sherloc (09022015). Collection method: clinical testing. Allele origin: germline.
Comment: In summary, the available evidence is currently insufficient to determine the role of this variant in disease. Therefore, it has been classified as a Variant of Uncertain Significance. Algorithms developed to predict the effect of missense changes on protein structure and function (SIFT, PolyPhen-2, Align-GVGD) all suggest that this variant is likely to be tolerated. ClinVar contains an entry for this variant (Variation ID: 1020553). This variant has not been reported in the literature in individuals affected with ARMC4-related conditions. This variant is present in population databases (rs761181016, gnomAD 0.01%). This sequence change replaces histidine, which is basic and polar, with glutamine, which is neutral and polar, at codon 622 of the ARMC4 protein (p.His622Gln).

NM_018076.5(ODAD2):c.1866T>A (p.His622Gln)

Gene: ODAD2 (outer dynein arm docking complex subunit 2; minus strand). Cytogenetic location: 10p12.1.
Variant type: single nucleotide variant.
Coding change: c.1866T>A on transcript NM_018076.5 (MANE Select); coding-DNA position 1866, T replaced by A.
Protein change: p.His622Gln; replaces histidine 622 with glutamine.
Molecular consequence: missense variant.
Genome position (GRCh38, 1-based): chr10:27,940,683, A>T on the plus strand (T>A on the coding strand, the complement: ODAD2 is on the minus strand). VCF-style: chr10-27940683-A-T. GRCh37 (hg19) VCF-style: chr10-28229612-A-T.
Other names: c.1866T>A (NM_018076.2); c.1866T>A, p.His622Gln (NM_001290020.2); c.441T>A, p.His147Gln (NM_001290021.2); c.942T>A, p.His314Gln (NM_001312689.2); short protein forms H147Q, H314Q, H622Q.
Identifiers: ClinVar variation 1020553 (VCV001020553.8), dbSNP rs761181016, ClinGen allele CA5453378.